The following is an entry in ClinVar:

ClinVar aggregate classification (germline): Uncertain significance (1 of 4 stars; one submission).

Allele frequency attached by ClinVar (database versions not stated): gnomAD exomes below 0.00001; ExAC 0.00002.
gnomAD v4.1: 1 of 1,613,994 alleles (0.000062%); no homozygotes.

Submission:

Women's Health and Genetics/Laboratory Corporation of America, LabCorp
Classification: Uncertain significance. Last evaluated: 2023-12-27. Review status: criteria provided, single submitter. Criteria: LabCorp Variant Classification Summary - May 2015. Collection method: clinical testing. Allele origin: germline.
Comment: Variant summary: CFTR c.2875G>A (p.Ala959Thr) results in a non-conservative amino acid change located in the ABC transporter type 1, transmembrane domain (IPR011527) of the encoded protein sequence. Five of five in-silico tools predict a damaging effect of the variant on protein function. The variant allele was found at a frequency of 4e-06 in 251330 control chromosomes. The available data on variant occurrences in the general population are insufficient to allow any conclusion about variant significance. To our knowledge, no occurrence of c.2875G>A in individuals affected with Cystic Fibrosis and no experimental evidence demonstrating its impact on protein function have been reported. No submitters have cited clinical-significance assessments for this variant to ClinVar after 2014. Based on the evidence outlined above, the variant was classified as uncertain significance.

NM_000492.4(CFTR):c.2875G>A (p.Ala959Thr)

Gene: CFTR (CF transmembrane conductance regulator; plus strand). Cytogenetic location: 7q31.2.
Variant type: single nucleotide variant.
Coding change: c.2875G>A on transcript NM_000492.4 (MANE Select); coding-DNA position 2875, G replaced by A.
Protein change: p.Ala959Thr; replaces alanine 959 with threonine.
Molecular consequence: missense variant.
Genome position (GRCh38, 1-based): chr7:117,603,749, G>A. VCF-style: chr7-117603749-G-A. GRCh37 (hg19) VCF-style: chr7-117243803-G-A.
Other names: short protein forms A959T.
Identifiers: ClinVar variation 2691422 (VCV002691422.1), dbSNP rs756799384, ClinGen allele CA4451304.